The following is an entry in ClinVar:

NM_020461.4(TUBGCP6):c.4873A>T (p.Ser1625Cys)

Gene: TUBGCP6 (tubulin gamma complex component 6; minus strand). Cytogenetic location: 22q13.33.
Variant type: single nucleotide variant.
Coding change: c.4873A>T on transcript NM_020461.4 (MANE Select); coding-DNA position 4873, A replaced by T.
Protein change: p.Ser1625Cys; replaces serine 1625 with cysteine.
Molecular consequence: missense variant.
Genome position (GRCh38, 1-based): chr22:50,218,569, T>A on the plus strand (A>T on the coding strand, the complement: TUBGCP6 is on the minus strand). VCF-style: chr22-50218569-T-A. GRCh37 (hg19) VCF-style: chr22-50656998-T-A.
Other names: c.4873A>T (NM_020461.3); short protein forms S1625C.
Identifiers: ClinVar variation 2415948 (VCV002415948.7), dbSNP rs367858965, ClinGen allele CA10307289.

ClinVar aggregate classification (germline): Uncertain significance. Review status: criteria provided, multiple submitters, no conflicts (2 of 4 stars). 3 submissions from 3 submitters: Uncertain significance (3). Last evaluated 2025-03-24.

Conditions:
Inborn genetic diseases. Identifiers: MedGen C0950123, MeSH D030342.

Allele frequency attached by ClinVar (database versions not stated): ExAC 0.00001; gnomAD 0.00003; TOPMed 0.00004; ESP Exome Variant Server 0.00008.
gnomAD v4.1: 11 of 1,613,692 alleles (0.00068%); highest among the groups gnomAD compares: African/African-American, 0.0013%; no homozygotes.

Submissions (3):

GeneDx
Classification: Uncertain significance. Last evaluated: 2025-03-24. Review status: criteria provided, single submitter. Criteria: GeneDx Variant Classification Process June 2021. Collection method: clinical testing. Allele origin: germline. Affected: yes.
Comment: Not observed at significant frequency in large population cohorts (gnomAD); In silico analysis supports that this missense variant has a deleterious effect on protein structure/function; Has not been previously published as pathogenic or benign to our knowledge

Ambry Genetics
Classification: Uncertain significance for Inborn genetic diseases. Last evaluated: 2025-01-17. Review status: criteria provided, single submitter. Criteria: Ambry Variant Classification Scheme 2023. Collection method: clinical testing. Allele origin: germline.

Labcorp Genetics (formerly Invitae), Labcorp
Classification: Uncertain significance. Last evaluated: 2024-10-07. Review status: criteria provided, single submitter. Criteria: Invitae Variant Classification Sherloc (09022015). Collection method: clinical testing. Allele origin: germline.
Comment: This sequence change replaces serine, which is neutral and polar, with cysteine, which is neutral and slightly polar, at codon 1625 of the TUBGCP6 protein (p.Ser1625Cys). This variant is present in population databases (rs367858965, gnomAD 0.007%). This variant has not been reported in the literature in individuals affected with TUBGCP6-related conditions. ClinVar contains an entry for this variant (Variation ID: 2415948). An algorithm developed to predict the effect of missense changes on protein structure and function (PolyPhen-2) suggests that this variant is likely to be disruptive. In summary, the available evidence is currently insufficient to determine the role of this variant in disease. Therefore, it has been classified as a Variant of Uncertain Significance.